The following is an entry in ClinVar:

NM_181882.3(PRX):c.116_131del (p.Lys39fs)

Genes: PRX (periaxin; minus strand), LOC130064454 (ATAC-STARR-seq lymphoblastoid active region 14650; plus strand). Cytogenetic location: 19q13.2.
Variant type: Deletion.
Coding change: c.116_131del on transcript NM_181882.3 (MANE Select); coding-DNA positions 116 to 131, 16 bases deleted (AAGAGGGAATCTTCGT).
Protein change: p.Lys39fs; shifts the reading frame from lysine 39.
Molecular consequence: frameshift variant.
Genome position (GRCh38, 1-based): chr19:40,403,759-40,403,774, ACGAAGATTCCCTCTT deleted on the plus strand (AAGAGGGAATCTTCGT on the coding strand, the reverse complement: PRX is on the minus strand). VCF-style (leftmost placement, unchanged base first): chr19-40403758-AACGAAGATTCCCTCTT-A. GRCh37 (hg19) VCF-style: chr19-40909665-AACGAAGATTCCCTCTT-A.
Other names: c.401_416del, p.Lys134fs (NM_001411127.1); c.116_131del, p.Lys39fs (NM_020956.2); short protein forms K39fs, K134fs.
Identifiers: ClinVar variation 2826737 (VCV002826737.3), dbSNP rs2514817991, ClinGen allele CA2739276769.

ClinVar aggregate classification (germline): Pathogenic (1 of 4 stars; one submission).

Conditions:
Charcot-Marie-Tooth disease type 4. Also called: Charcot-Marie-Tooth, Type 4; Charcot-Marie-Tooth disease, type IV. Identifiers: Orphanet 64749, MedGen C4082197, MONDO:0018995.

Submission:

Labcorp Genetics (formerly Invitae), Labcorp
Classification: Pathogenic for Charcot-Marie-Tooth disease type 4. Last evaluated: 2023-01-07. Review status: criteria provided, single submitter. Criteria: Invitae Variant Classification Sherloc (09022015). Collection method: clinical testing. Allele origin: germline.
Comment: For these reasons, this variant has been classified as Pathogenic. This variant has not been reported in the literature in individuals affected with PRX-related conditions. This variant is not present in population databases (gnomAD no frequency). This sequence change creates a premature translational stop signal (p.Lys39Ilefs*23) in the PRX gene. It is expected to result in an absent or disrupted protein product. Loss-of-function variants in PRX are known to be pathogenic (PMID: 11133365).

Literature cited by the submitters: PubMed 11133365.